The following is an entry in ClinVar:

ClinVar aggregate classification (germline): Uncertain significance (1 of 4 stars; one submission).

Submission:

Labcorp Genetics (formerly Invitae), Labcorp
Classification: Uncertain significance. Last evaluated: 2021-10-28. Review status: criteria provided, single submitter. Criteria: Invitae Variant Classification Sherloc (09022015). Collection method: clinical testing. Allele origin: germline.
Comment: This variant is not present in population databases (gnomAD no frequency). This sequence change replaces valine, which is neutral and non-polar, with isoleucine, which is neutral and non-polar, at codon 351 of the DSG1 protein (p.Val351Ile). This variant has not been reported in the literature in individuals affected with DSG1-related conditions. In summary, the available evidence is currently insufficient to determine the role of this variant in disease. Therefore, it has been classified as a Variant of Uncertain Significance. Algorithms developed to predict the effect of missense changes on protein structure and function (SIFT, PolyPhen-2, Align-GVGD) all suggest that this variant is likely to be disruptive.

NM_001942.4(DSG1):c.1051G>A (p.Val351Ile)

Gene: DSG1 (desmoglein 1; plus strand). Cytogenetic location: 18q12.1.
Variant type: single nucleotide variant.
Coding change: c.1051G>A on transcript NM_001942.4 (MANE Select); coding-DNA position 1051, G replaced by A.
Protein change: p.Val351Ile; replaces valine 351 with isoleucine.
Molecular consequence: missense variant.
Genome position (GRCh38, 1-based): chr18:31,336,399, G>A. VCF-style: chr18-31336399-G-A. GRCh37 (hg19) VCF-style: chr18-28916362-G-A.
Other names: short protein forms V351I.
Identifiers: ClinVar variation 1379647 (VCV001379647.6), dbSNP rs894065602, ClinGen allele CA297694925.
Genomic context (GRCh38, chr18:31,336,399, plus strand): 5'-CTCTGTATTTTCTAGCCCTTAGATTATGAAGCTATGCAGAGTCTGCAACTCAGTATTGGT[G>A]TCAGAAATAAAGCTGAATTTCATCATTCAATTATGTCTCAATATAAACTGAAAGCATCTG-3'
Protein context (NP_001933.2, residues 341-361): AMQSLQLSIG[Val351Ile]RNKAEFHHSI